The following is an entry in ClinVar:

ClinVar aggregate classification (germline): Likely benign (1 of 4 stars; one submission).

Allele frequency attached by ClinVar (database versions not stated): gnomAD 0.00005; TOPMed 0.00005; ExAC 0.00008; ESP Exome Variant Server 0.00008; gnomAD exomes 0.00010.
gnomAD v4.1: 147 of 1,614,188 alleles (0.0091%); highest among the groups gnomAD compares: Middle Eastern, 0.049%; 1 homozygote.

Submission:

CeGaT Center for Human Genetics Tuebingen
Classification: Likely benign. Last evaluated: 2023-05-01. Review status: criteria provided, single submitter. Criteria: CeGaT Center For Human Genetics Tuebingen Variant Classification Criteria Version 2. Collection method: clinical testing. Allele origin: germline. Affected: yes. Observed: 1 variant allele.
Comment: CCDC134: BP4, BP7

NM_024821.5(CCDC134):c.381C>T (p.His127=)

Gene: CCDC134 (coiled-coil domain containing 134; plus strand). Cytogenetic location: 22q13.2.
Variant type: single nucleotide variant.
Coding change: c.381C>T on transcript NM_024821.5 (MANE Select); coding-DNA position 381, C replaced by T.
Protein change: p.His127=; no amino-acid change (histidine 127 retained).
Molecular consequence: synonymous variant. On other transcripts: intron variant (1).
Genome position (GRCh38, 1-based): chr22:41,813,334, C>T. VCF-style: chr22-41813334-C-T. GRCh37 (hg19) VCF-style: chr22-42209338-C-T.
Other names: c.381C>T, p.His127= (NM_001382346.1); c.225+3334C>T (NM_001304797.2).
Identifiers: ClinVar variation 2653234 (VCV002653234.24), dbSNP rs373211102, ClinGen allele CA10261169.